The following is an entry in ClinVar:

ClinVar aggregate classification (germline): Uncertain significance (1 of 4 stars; one submission).

Conditions:
Symmetrical dyschromatosis of extremities (DSH). Also called: RETICULATE ACROPIGMENTATION OF DOHI; SYMMETRIC DYSCHROMATOSIS OF THE EXTREMITIES; DYSCHROMATOSIS SYMMETRICA HEREDITARIA 1; Dyschromatosis symmetrica hereditaria. Identifiers: Orphanet 41, MedGen C0406775, MONDO:0007483, OMIM 127400.
Aicardi-Goutieres syndrome 6 (AGS6). Identifiers: Orphanet 51, MedGen C3539013, MONDO:0014007, OMIM 615010.

Allele frequency attached by ClinVar (database versions not stated): gnomAD exomes below 0.00001.
gnomAD v4.1: 1 of 1,608,074 alleles (0.000062%); highest among the groups gnomAD compares: Non-Finnish European, 0.000085%; no homozygotes.

Submission:

Labcorp Genetics (formerly Invitae), Labcorp
Classification: Uncertain significance for Aicardi-Goutieres syndrome 6; Symmetrical dyschromatosis of extremities. Last evaluated: 2024-04-16. Review status: criteria provided, single submitter. Criteria: Invitae Variant Classification Sherloc (09022015). Collection method: clinical testing. Allele origin: germline.
Comment: This sequence change replaces glutamine, which is neutral and polar, with arginine, which is basic and polar, at codon 5 of the ADAR protein (p.Gln5Arg). This variant is not present in population databases (gnomAD no frequency). This variant has not been reported in the literature in individuals affected with ADAR-related conditions. An algorithm developed to predict the effect of missense changes on protein structure and function (PolyPhen-2) suggests that this variant is likely to be tolerated. Algorithms developed to predict the effect of sequence changes on RNA splicing suggest that this variant may disrupt the consensus splice site. In summary, the available evidence is currently insufficient to determine the role of this variant in disease. Therefore, it has been classified as a Variant of Uncertain Significance.

NM_001111.5(ADAR):c.14A>G (p.Gln5Arg)

Genes: ADAR (adenosine deaminase RNA specific; minus strand), LOC129931512 (ATAC-STARR-seq lymphoblastoid silent region 1364; plus strand). Cytogenetic location: 1q21.3.
Variant type: single nucleotide variant.
Coding change: c.14A>G on transcript NM_001111.5 (MANE Select); coding-DNA position 14, A replaced by G.
Protein change: p.Gln5Arg; replaces glutamine 5 with arginine.
Molecular consequence: missense variant. On other transcripts: 5 prime UTR variant (2), intron variant (4).
Genome position (GRCh38, 1-based): chr1:154,607,993, T>C on the plus strand (A>G on the coding strand, the complement: ADAR is on the minus strand). VCF-style: chr1-154607993-T-C. GRCh37 (hg19) VCF-style: chr1-154580469-T-C.
Other names: c.-736A>G (NM_001365047.1, NM_001365049.1); c.14A>G, p.Gln5Arg (NM_015840.4, NM_015841.4); c.-734-5367A>G (NM_001365046.1); c.43-5367A>G (NM_001365045.1); c.-870-5367A>G (NM_001025107.3); c.-871+758A>G (NM_001365048.1); short protein forms Q5R.
Identifiers: ClinVar variation 2926991 (VCV002926991.3), dbSNP rs1470406907, ClinGen allele CA342612171.
Genomic context (GRCh38, chr1:154,607,993, plus strand): 5'-CCTGTGAGGTTGTAAACGAACCCAGACGGCGGCGAAGGTCCAAGGCCGGCCCGGCTTACC[T>C]GCCGCGGATTCATTGCGCCCGCGAGGCATTGCCCGGCCCGACCCGCCGGCGGCACGACCC-3'
Protein context (NP_001102.3, residues 1-15): MNPR[Gln5Arg]GYSLSGYYTH